The following is an entry in ClinVar:

NM_170784.3(MKKS):c.1311A>T (p.Glu437Asp)

Gene: MKKS (MKKS centrosomal shuttling protein; minus strand). Cytogenetic location: 20p12.2.
Variant type: single nucleotide variant.
Coding change: c.1311A>T on transcript NM_170784.3 (MANE Select); coding-DNA position 1311, A replaced by T.
Protein change: p.Glu437Asp; replaces glutamic acid 437 with aspartic acid.
Molecular consequence: missense variant. On other transcripts: non-coding transcript variant (1).
Genome position (GRCh38, 1-based): chr20:10,405,649, T>A on the plus strand (A>T on the coding strand, the complement: MKKS is on the minus strand). VCF-style: chr20-10405649-T-A. GRCh37 (hg19) VCF-style: chr20-10386297-T-A.
Other names: c.1311A>T, p.Glu437Asp (NM_018848.3); short protein forms E437D.
Identifiers: ClinVar variation 4990166 (VCV004990166.1).

ClinVar aggregate classification (germline): Uncertain significance (1 of 4 stars; one submission).

Conditions:
MKKS-related disorder. Also called: MKKS-related disorders; MKKS-related condition.

gnomAD v4.1: 6 of 1,614,062 alleles (0.00037%); highest among the groups gnomAD compares: African/African-American, 0.008%; no homozygotes.

Submission:

PreventionGenetics, part of Exact Sciences
Classification: Uncertain significance for MKKS-related condition. Last evaluated: 2026-06-18. Review status: criteria provided, single submitter. Criteria: ACMG Guidelines, 2015. Collection method: clinical testing. Allele origin: germline.
Comment: The MKKS c.1311A>T variant is predicted to result in the amino acid substitution p.Glu437Asp. To our knowledge, this variant has not been reported in the literature. This variant is reported in 0.019% of alleles in individuals of African descent in gnomAD. At this time, the clinical significance of this variant is uncertain due to the absence of conclusive functional and genetic evidence.